The following is an entry in ClinVar:

ClinVar aggregate classification (germline): Benign/Likely benign. Review status: criteria provided, multiple submitters, no conflicts (2 of 4 stars). 4 submissions from 4 submitters: Benign (1); Likely benign (3). Last evaluated 2024-07-26.

Conditions:
Hereditary cancer-predisposing syndrome. Also called: Tumor predisposition; Hereditary neoplastic syndrome; Neoplastic Syndromes, Hereditary; Hereditary Cancer Syndrome. Identifiers: Orphanet 140162, MedGen C0027672, MeSH D009386, MONDO:0015356.
Familial cancer of breast. Also called: BREAST CANCER, FAMILIAL; hereditary breast carcinoma; Hereditary breast cancer. Identifiers: Orphanet 227535, MedGen C0346153, MONDO:0016419, OMIM 114480. Disease mechanism: loss of function.

Allele frequency attached by ClinVar (database versions not stated): gnomAD exomes 0.00001; TOPMed 0.00001.
gnomAD v4.1: 15 of 1,611,632 alleles (0.00093%); highest among the groups gnomAD compares: African/African-American, 0.0013%; no homozygotes.

Submissions (4):

Myriad Genetics, Inc.
Classification: Benign for Familial cancer of breast. Last evaluated: 2024-07-26. Review status: criteria provided, single submitter. Criteria: Myriad Autosomal Dominant, Autosomal Recessive and X-Linked Classification Criteria (2023). Collection method: clinical testing. Allele origin: unknown.
Comment: This variant is considered benign. This variant is a silent/synonymous amino acid change and it is not expected to impact splicing.

Labcorp Genetics (formerly Invitae), Labcorp
Classification: Likely benign for Familial cancer of breast. Last evaluated: 2024-07-01. Review status: criteria provided, single submitter. Criteria: Invitae Variant Classification Sherloc (09022015). Collection method: clinical testing. Allele origin: germline.

Mendelics
Classification: Likely benign for Familial cancer of breast. Last evaluated: 2019-05-28. Review status: criteria provided, single submitter. Criteria: Mendelics Assertion Criteria 2017. Collection method: clinical testing. Allele origin: unknown.

Ambry Genetics
Classification: Likely benign for Hereditary cancer-predisposing syndrome. Last evaluated: 2019-05-17. Review status: criteria provided, single submitter. Criteria: Ambry Variant Classification Scheme 2023. Collection method: clinical testing. Allele origin: germline.

NM_000465.4(BARD1):c.1662T>C (p.Ala554=)

Gene: BARD1 (BRCA1 associated RING domain 1; minus strand). Cytogenetic location: 2q35.
Variant type: single nucleotide variant.
Coding change: c.1662T>C on transcript NM_000465.4 (MANE Select); coding-DNA position 1662, T replaced by C.
Protein change: p.Ala554=; no amino-acid change (alanine 554 retained).
Molecular consequence: synonymous variant. On other transcripts: non-coding transcript variant (3), intron variant (1).
Genome position (GRCh38, 1-based): chr2:214,752,462, A>G on the plus strand (T>C on the coding strand, the complement: BARD1 is on the minus strand). VCF-style: chr2-214752462-A-G. GRCh37 (hg19) VCF-style: chr2-215617186-A-G.
Other names: c.1605T>C, p.Ala535= (NM_001282543.2); c.309T>C, p.Ala103= (NM_001282545.2); c.252T>C, p.Ala84= (NM_001282548.2); c.365-21954T>C (NM_001282549.2).
Identifiers: ClinVar variation 752408 (VCV000752408.15), dbSNP rs1402521170, ClinGen allele CA431147676.